The following is an entry in ClinVar:

ClinVar aggregate classification (germline): Pathogenic (1 of 4 stars; one submission).

Submission:

Labcorp Genetics (formerly Invitae), Labcorp
Classification: Pathogenic. Last evaluated: 2024-04-17. Review status: criteria provided, single submitter. Criteria: Invitae Variant Classification Sherloc (09022015). Collection method: clinical testing. Allele origin: germline.
Comment: This sequence change creates a premature translational stop signal (p.Phe2180Trpfs*13) in the VPS13C gene. It is expected to result in an absent or disrupted protein product. Loss-of-function variants in VPS13C are known to be pathogenic (PMID: 26942284, 34875562). This variant is not present in population databases (gnomAD no frequency). This premature translational stop signal has been observed in individual(s) with clinical features of Parkinson disease (Invitae). For these reasons, this variant has been classified as Pathogenic.

Literature cited by the submitters: PubMed 26942284; PubMed 34875562.

NM_020821.3(VPS13C):c.6539_6542del (p.Phe2180fs)

Gene: VPS13C (vacuolar protein sorting 13 homolog C; minus strand). Cytogenetic location: 15q22.2.
Variant type: Microsatellite.
Coding change: c.6539_6542del on transcript NM_020821.3 (MANE Select); coding-DNA positions 6539 to 6542, 4 bases deleted (TTAT; older notation c.6539_6542delTTAT).
Protein change: p.Phe2180fs; shifts the reading frame from phenylalanine 2180.
Molecular consequence: frameshift variant.
Genome position (GRCh38, 1-based): chr15:61,925,523-61,925,526, ATAA deleted on the plus strand (TTAT on the coding strand, the reverse complement: VPS13C is on the minus strand); deleting any 4 consecutive bases within chr15:61,925,523-61,925,531 gives the same sequence; the c. name uses the placement nearest the transcript's 3' end. VCF-style (leftmost placement, unchanged base first): chr15-61925522-CATAA-C. GRCh37 (hg19) VCF-style: chr15-62217721-CATAA-C.
Other names: c.6539_6542del, p.Phe2180fs (NM_001018088.3); c.6410_6413del, p.Phe2137fs (NM_017684.5, NM_018080.4); short protein forms F2180fs, F2137fs.
Identifiers: ClinVar variation 1974513 (VCV001974513.5), dbSNP rs779017939, ClinGen allele CA7595516.